The following is an entry in ClinVar:

NM_005909.5(MAP1B):c.6418C>T (p.Arg2140Ter)

Gene: MAP1B (microtubule associated protein 1B; plus strand). Cytogenetic location: 5q13.2.
Variant type: single nucleotide variant.
Coding change: c.6418C>T on transcript NM_005909.5 (MANE Select); coding-DNA position 6418, C replaced by T.
Protein change: p.Arg2140Ter; replaces arginine 2140 with a stop codon.
Molecular consequence: nonsense.
Genome position (GRCh38, 1-based): chr5:72,199,773, C>T. VCF-style: chr5-72199773-C-T. GRCh37 (hg19) VCF-style: chr5-71495600-C-T.
Other names: c.6418C>T (NM_005909.3); c.6040C>T, p.Arg2014Ter (NM_001324255.2); short protein forms R2014*, R2140*.
Identifiers: ClinVar variation 3772391 (VCV003772391.15).

ClinVar aggregate classification (germline): Pathogenic. Review status: criteria provided, multiple submitters, no conflicts (2 of 4 stars). 2 submissions from 2 submitters: Pathogenic (2). Last evaluated 2026-02-17.

Submissions (2):

GeneDx
Classification: Pathogenic. Last evaluated: 2026-02-17. Review status: criteria provided, single submitter. Criteria: GeneDx Variant Classification Process June 2021. Collection method: clinical testing. Allele origin: germline.
Comment: Nonsense variant predicted to result in protein truncation or nonsense mediated decay in a gene for which loss of function is a known mechanism of disease; Not observed at significant frequency in large population cohorts (gnomAD); Has not been previously published as pathogenic or benign to our knowledge

CeGaT Center for Human Genetics Tuebingen
Classification: Pathogenic. Last evaluated: 2025-01-01. Review status: criteria provided, single submitter. Criteria: CeGaT Center For Human Genetics Tuebingen Variant Classification Criteria Version 2. Collection method: clinical testing. Allele origin: germline. Affected: yes. Observed: 1 variant allele.
Comment: MAP1B: PVS1, PM2